The following is an entry in ClinVar:

NM_001042424.3(NSD2):c.1881+2594T>G

Gene: NSD2 (nuclear receptor binding SET domain protein 2; plus strand). Cytogenetic location: 4p16.3.
Variant type: single nucleotide variant.
Coding change: c.1881+2594T>G on transcript NM_001042424.3 (MANE Select); 2594 bases into the intron after coding-DNA position 1881, T replaced by G.
Molecular consequence: intron variant. On other transcripts: 3 prime UTR variant (1), missense variant (1).
Genome position (GRCh38, 1-based): chr4:1,942,372, T>G. VCF-style: chr4-1942372-T-G. GRCh37 (hg19) VCF-style: chr4-1944099-T-G.
Other names: c.*2585T>G (NM_007331.2); c.1915T>G, p.Leu639Val (NM_133334.3); c.1881+2594T>G (NM_133330.3, NM_133331.3, NM_133335.4); short protein forms L639V.
Identifiers: ClinVar variation 2654582 (VCV002654582.24), dbSNP rs199570116, ClinGen allele CA2812264.

ClinVar aggregate classification (germline): Likely benign (1 of 4 stars; one submission).

Allele frequency attached by ClinVar (database versions not stated): ExAC 0.00008; gnomAD 0.00009; gnomAD exomes 0.00011; ESP Exome Variant Server 0.00015.
gnomAD v4.1: 173 of 1,613,850 alleles (0.011%); highest among the groups gnomAD compares: Non-Finnish European, 0.013%; no homozygotes.

Submission:

CeGaT Center for Human Genetics Tuebingen
Classification: Likely benign. Last evaluated: 2022-08-01. Review status: criteria provided, single submitter. Criteria: CeGaT Center For Human Genetics Tuebingen Variant Classification Criteria Version 2. Collection method: clinical testing. Allele origin: germline. Affected: yes. Observed: 1 variant allele.
Comment: NSD2: BP4, BS2